The following is an entry in ClinVar:

NM_002547.3(OPHN1):c.1894C>T (p.Pro632Ser)

Gene: OPHN1 (oligophrenin 1; minus strand). Cytogenetic location: Xq12.
Variant type: single nucleotide variant.
Coding change: c.1894C>T on transcript NM_002547.3 (MANE Select); coding-DNA position 1894, C replaced by T.
Protein change: p.Pro632Ser; replaces proline 632 with serine.
Molecular consequence: missense variant.
Genome position (GRCh38, 1-based): chrX:68,064,118, G>A on the plus strand (C>T on the coding strand, the complement: OPHN1 is on the minus strand). VCF-style: chrX-68064118-G-A. GRCh37 (hg19) VCF-style: chrX-67283960-G-A.
Other names: short protein forms P632S.
Identifiers: ClinVar variation 2896622 (VCV002896622.3), dbSNP rs1461563916, ClinGen allele CA413430948.

ClinVar aggregate classification (germline): Uncertain significance (1 of 4 stars; one submission).

Allele frequency attached by ClinVar (database versions not stated): gnomAD exomes below 0.00001; gnomAD 0.00001; TOPMed 0.00001.
gnomAD v4.1: 2 of 1,208,432 alleles (0.00017%); highest among the groups gnomAD compares: Admixed American, 0.0044%; no homozygotes.

Submission:

Labcorp Genetics (formerly Invitae), Labcorp
Classification: Uncertain significance. Last evaluated: 2024-07-08. Review status: criteria provided, single submitter. Criteria: Invitae Variant Classification Sherloc (09022015). Collection method: clinical testing. Allele origin: germline.
Comment: This sequence change replaces proline, which is neutral and non-polar, with serine, which is neutral and polar, at codon 632 of the OPHN1 protein (p.Pro632Ser). This variant is present in population databases (no rsID available, gnomAD 0.008%), including at least one homozygous and/or hemizygous individual. This variant has not been reported in the literature in individuals affected with OPHN1-related conditions. An algorithm developed to predict the effect of missense changes on protein structure and function (PolyPhen-2) suggests that this variant is likely to be tolerated. In summary, the available evidence is currently insufficient to determine the role of this variant in disease. Therefore, it has been classified as a Variant of Uncertain Significance.